The following is an entry in ClinVar:

NM_001267550.2(TTN):c.50551+20C>T

Genes: TTN (titin; minus strand), TTN-AS1 (TTN antisense RNA 1; plus strand). Cytogenetic location: 2q31.2.
Variant type: single nucleotide variant.
Coding change: c.50551+20C>T on transcript NM_001267550.2 (MANE Select); 20 bases into the intron after coding-DNA position 50551, C replaced by T.
Molecular consequence: intron variant.
Genome position (GRCh38, 1-based): chr2:178,611,738, G>A on the plus strand (C>T on the coding strand, the complement: TTN is on the minus strand). VCF-style: chr2-178611738-G-A. GRCh37 (hg19) VCF-style: chr2-179476465-G-A.
Other names: c.45628+20C>T (NM_001256850.1); c.42847+20C>T (NM_133378.4); c.23356+20C>T (NM_003319.4); c.23932+20C>T (NM_133437.4); c.23731+20C>T (NM_133432.3).
Identifiers: ClinVar variation 137794 (VCV000137794.30), dbSNP rs67636125, ClinGen allele CA291459.
Genomic context (GRCh38, chr2:178,611,738, plus strand): 5'-CTGAGAAAAGAGTGAAATATTCATATCCACAGTCTCATCAAGTTCTAGACAATATCTTGT[G>A]TATAATCAGCACTACTTACTTGTTGGATCTTCAATGGATAGGATTTCTGTGGGTTCACTT-3'

ClinVar aggregate classification (germline): Benign/Likely benign. Review status: criteria provided, multiple submitters, no conflicts (2 of 4 stars). 14 submissions from 11 submitters: Benign (9); Likely benign (1). 4 of the submissions do not count toward it. Last evaluated 2026-02-02.

Conditions:
Autosomal recessive limb-girdle muscular dystrophy type 2J (LGMDR10). Also called: MUSCULAR DYSTROPHY, LIMB-GIRDLE, AUTOSOMAL RECESSIVE 10; Limb-girdle muscular dystrophy, type 2J. Identifiers: Orphanet 140922, MedGen C1837342, MONDO:0012127, OMIM 608807.
Dilated cardiomyopathy 1G (CMD1G). Identifiers: Orphanet 154, MedGen C1858763, MONDO:0011400, OMIM 604145.
Early-onset myopathy with fatal cardiomyopathy (CMYO5). Also called: CONGENITAL MYOPATHY 5 WITH CARDIOMYOPATHY; Salih Myopathy. Identifiers: Orphanet 289377, MedGen C2673677, MONDO:0012714, OMIM 611705. Disease mechanism: loss of function.
Myopathy, myofibrillar, 9, with early respiratory failure (MFM9). Also called: Hereditary myopathy with early respiratory failure; EDSTROM MYOPATHY; MYOPATHY, PROXIMAL, WITH EARLY RESPIRATORY MUSCLE INVOLVEMENT; Myopathy, distal, with early respiratory failure, autosomal dominant. Identifiers: Orphanet 178464, Orphanet 34521, MedGen C1863599, MONDO:0011362, OMIM 603689.
Tibial muscular dystrophy (TMD). Also called: UDD MYOPATHY; Udd Distal Myopathy – Tibial Muscular Dystrophy; Tibial muscular dystrophy, tardive. Identifiers: Orphanet 609, MedGen C1838244, MONDO:0010870, OMIM 600334.

Allele frequency attached by ClinVar (database versions not stated): gnomAD exomes 0.00082 and 0.00177; ExAC 0.00223; ESP Exome Variant Server 0.00552; gnomAD 0.00686 and 0.00708; TOPMed 0.00781; 1000 Genomes Project 0.00978; 1000 Genomes Project 30x 0.01015.
gnomAD v4.1: 2,305 of 1,611,378 alleles (0.14%); highest among the groups gnomAD compares: African/African-American, 2.3%; 36 homozygotes.

Submissions (14):

Labcorp Genetics (formerly Invitae), Labcorp
Classification: Benign for Dilated cardiomyopathy 1G; Autosomal recessive limb-girdle muscular dystrophy type 2J. Last evaluated: 2026-02-02. Review status: criteria provided, single submitter. Criteria: Invitae Variant Classification Sherloc (09022015). Collection method: clinical testing. Allele origin: germline.

Blueprint Genetics
Classification: Likely benign. Last evaluated: 2024-11-08. Review status: criteria provided, single submitter. Criteria: ACMG Guidelines, 2015. Collection method: clinical testing. Allele origin: germline.

ARUP Laboratories, Molecular Genetics and Genomics, ARUP Laboratories
Classification: Benign. Last evaluated: 2024-09-16. Review status: criteria provided, single submitter. Criteria: ARUP Molecular Germline Variant Investigation Process 2024. Collection method: clinical testing. Allele origin: germline.

Genome-Nilou Lab
Classification: Benign for Autosomal recessive limb-girdle muscular dystrophy type 2J. Last evaluated: 2021-09-10. Review status: criteria provided, single submitter. Criteria: ACMG Guidelines, 2015. Collection method: clinical testing. Allele origin: germline. Affected: no.

Genome-Nilou Lab
Classification: Benign for Myopathy, myofibrillar, 9, with early respiratory failure. Last evaluated: 2021-09-10. Review status: criteria provided, single submitter. Criteria: ACMG Guidelines, 2015. Collection method: clinical testing. Allele origin: germline. Affected: no.

Genome-Nilou Lab
Classification: Benign for Early-onset myopathy with fatal cardiomyopathy. Last evaluated: 2021-09-10. Review status: criteria provided, single submitter. Criteria: ACMG Guidelines, 2015. Collection method: clinical testing. Allele origin: germline. Affected: no.

Genome-Nilou Lab
Classification: Benign for Tibial muscular dystrophy. Last evaluated: 2021-09-10. Review status: criteria provided, single submitter. Criteria: ACMG Guidelines, 2015. Collection method: clinical testing. Allele origin: germline. Affected: no.

Women's Health and Genetics/Laboratory Corporation of America, LabCorp
Classification: Benign. Last evaluated: 2020-10-01. Review status: criteria provided, single submitter. Criteria: LabCorp Variant Classification Summary - May 2015. Collection method: clinical testing. Allele origin: germline.

GeneDx
Classification: Benign. Last evaluated: 2014-03-28. Review status: criteria provided, single submitter. Criteria: GeneDx Variant Classification (06012015). Collection method: clinical testing. Allele origin: germline. Affected: yes.
Comment: This variant is considered likely benign or benign based on one or more of the following criteria: it is a conservative change, it occurs at a poorly conserved position in the protein, it is predicted to be benign by multiple in silico algorithms, and/or has population frequency not consistent with disease.

Breakthrough Genomics
Classification: Benign. Review status: criteria provided, single submitter. Criteria: ACMG Guidelines, 2015. Collection method: not provided. Allele origin: germline. Inheritance: Autosomal recessive inheritance. Affected: yes.

Clinical Genetics DNA and cytogenetics Diagnostics Lab, Erasmus MC, Erasmus Medical Center
Classification: Benign. Review status: no assertion criteria provided. Collection method: clinical testing. Allele origin: germline. Affected: yes. Study: VKGL Data-share Consensus. Not counted in ClinVar's aggregate classification.

Clinical Genetics, Academic Medical Center
Classification: Benign. Review status: no assertion criteria provided. Collection method: clinical testing. Allele origin: germline. Affected: yes. Study: VKGL Data-share Consensus. Not counted in ClinVar's aggregate classification.

Diagnostic Laboratory, Department of Genetics, University Medical Center Groningen
Classification: Likely benign. Review status: no assertion criteria provided. Collection method: clinical testing. Allele origin: germline. Affected: yes. Study: VKGL Data-share Consensus. Not counted in ClinVar's aggregate classification.

Laboratory of Diagnostic Genome Analysis, Leiden University Medical Center (LUMC)
Classification: Likely benign. Review status: no assertion criteria provided. Collection method: clinical testing. Allele origin: germline. Affected: yes. Study: VKGL Data-share Consensus. Not counted in ClinVar's aggregate classification.